The following is an entry in ClinVar:

NM_199355.4(ADAMTS18):c.3194C>G (p.Ser1065Cys)

Gene: ADAMTS18 (ADAM metallopeptidase with thrombospondin type 1 motif 18; minus strand). Cytogenetic location: 16q23.1.
Variant type: single nucleotide variant.
Coding change: c.3194C>G on transcript NM_199355.4 (MANE Select); coding-DNA position 3194, C replaced by G.
Protein change: p.Ser1065Cys; replaces serine 1065 with cysteine.
Molecular consequence: missense variant.
Genome position (GRCh38, 1-based): chr16:77,291,474, G>C on the plus strand (C>G on the coding strand, the complement: ADAMTS18 is on the minus strand). VCF-style: chr16-77291474-G-C. GRCh37 (hg19) VCF-style: chr16-77325371-G-C.
Other names: c.2678C>G, p.Ser893Cys (NM_001326358.2); short protein forms S1065C, S893C.
Identifiers: ClinVar variation 2061024 (VCV002061024.4), dbSNP rs2543575742, ClinGen allele CA396832572.
Genomic context (GRCh38, chr16:77,291,474, plus strand): 5'-TGGAAGCCCTTCTCGCTGCACTTCATCTCCCTCTTCCTCACACCCAAACCACAGGTTGCA[G>C]AACACTAGGAGCCAAGACAGGATGTGTAAAAGTGAAGACTGCCAGGATCACATCTTCTGG-3'
Protein context (NP_955387.1, residues 1055-1075): QWVASSWSEC[Ser1065Cys]ATCGLGVRKR

ClinVar aggregate classification (germline): Uncertain significance (1 of 4 stars; one submission).

Allele frequency attached by ClinVar (database versions not stated): gnomAD exomes below 0.00001.
gnomAD v4.1: 1 of 1,614,142 alleles (0.000062%); highest among the groups gnomAD compares: Non-Finnish European, 0.000085%; no homozygotes.

Submission:

Labcorp Genetics (formerly Invitae), Labcorp
Classification: Uncertain significance. Last evaluated: 2022-08-09. Review status: criteria provided, single submitter. Criteria: Invitae Variant Classification Sherloc (09022015). Collection method: clinical testing. Allele origin: germline.
Comment: Algorithms developed to predict the effect of missense changes on protein structure and function are either unavailable or do not agree on the potential impact of this missense change (SIFT: "Not Available"; PolyPhen-2: "Probably Damaging"; Align-GVGD: "Not Available"). In summary, the available evidence is currently insufficient to determine the role of this variant in disease. Therefore, it has been classified as a Variant of Uncertain Significance. This variant has not been reported in the literature in individuals affected with ADAMTS18-related conditions. This variant is not present in population databases (gnomAD no frequency). This sequence change replaces serine, which is neutral and polar, with cysteine, which is neutral and slightly polar, at codon 1065 of the ADAMTS18 protein (p.Ser1065Cys).